The following is an entry in ClinVar:

ClinVar aggregate classification (germline): Conflicting classifications of pathogenicity. Review status: criteria provided, conflicting classifications (1 of 4 stars). 4 submissions from 4 submitters: Uncertain significance (3); Likely benign (1). Last evaluated 2026-01-05.

Conditions:
Hypotrichosis 6 (HYPT6). Also called: HYPOTRICHOSIS, LOCALIZED, AUTOSOMAL RECESSIVE 1; MONILETHRIX-LIKE HYPOTRICHOSIS. Identifiers: Orphanet 55654, MedGen C1842839, MONDO:0011932, OMIM 607903.

Allele frequency attached by ClinVar (database versions not stated): 1000 Genomes Project 0.00060; 1000 Genomes Project 30x 0.00062; ESP Exome Variant Server 0.00069; TOPMed 0.00074; gnomAD exomes 0.00082 and 0.00087; gnomAD 0.00085 and 0.00089; ExAC 0.00093.

Submissions (4):

Labcorp Genetics (formerly Invitae), Labcorp
Classification: Uncertain significance. Last evaluated: 2026-01-05. Review status: criteria provided, single submitter. Criteria: Invitae Variant Classification Sherloc (09022015). Collection method: clinical testing. Allele origin: germline.
Comment: This sequence change replaces methionine, which is neutral and non-polar, with threonine, which is neutral and polar, at codon 1007 of the DSG4 protein (p.Met1007Thr). This variant is present in population databases (rs145343712, gnomAD 0.2%), and has an allele count higher than expected for a pathogenic variant. This variant has not been reported in the literature in individuals affected with DSG4-related conditions. ClinVar contains an entry for this variant (Variation ID: 326456). An algorithm developed to predict the effect of missense changes on protein structure and function (PolyPhen-2) suggests that this variant is likely to be tolerated. In summary, the available evidence is currently insufficient to determine the role of this variant in disease. Therefore, it has been classified as a Variant of Uncertain Significance.

Blueprint Genetics
Classification: Likely benign. Last evaluated: 2024-11-15. Review status: criteria provided, single submitter. Criteria: ACMG Guidelines, 2015. Collection method: clinical testing. Allele origin: germline.

Illumina Laboratory Services, Illumina
Classification: Uncertain significance for Hypotrichosis 6. Last evaluated: 2018-01-13. Review status: criteria provided, single submitter. Criteria: ICSL Variant Classification Criteria 13 December 2019. Collection method: clinical testing. Allele origin: germline.

Breakthrough Genomics
Classification: Uncertain significance. Review status: criteria provided, single submitter. Criteria: ACMG Guidelines, 2015. Collection method: not provided. Allele origin: germline. Inheritance: Autosomal recessive inheritance. Affected: yes.

NM_177986.5(DSG4):c.3020T>C (p.Met1007Thr)

Genes: DSG1-AS1 (DSG1 antisense RNA 1; minus strand), DSG4 (desmoglein 4; plus strand). Cytogenetic location: 18q12.1.
Variant type: single nucleotide variant.
Coding change: c.3020T>C on transcript NM_177986.5 (MANE Select); coding-DNA position 3020, T replaced by C.
Protein change: p.Met1007Thr; replaces methionine 1007 with threonine.
Molecular consequence: missense variant.
Genome position (GRCh38, 1-based): chr18:31,413,492, T>C. VCF-style: chr18-31413492-T-C. GRCh37 (hg19) VCF-style: chr18-28993455-T-C.
Other names: c.3077T>C, p.Met1026Thr (NM_001134453.3); short protein forms M1007T, M1026T.
Identifiers: ClinVar variation 326456 (VCV000326456.10), dbSNP rs145343712, ClinGen allele CA8927457.